The following is an entry in ClinVar:

NM_003242.6(TGFBR2):c.69G>T (p.Thr23=)

Gene: TGFBR2 (transforming growth factor beta receptor 2; plus strand). Cytogenetic location: 3p24.1.
Variant type: single nucleotide variant.
Coding change: c.69G>T on transcript NM_003242.6 (MANE Select); coding-DNA position 69, G replaced by T.
Protein change: p.Thr23=; no amino-acid change (threonine 23 retained).
Molecular consequence: synonymous variant. On other transcripts: 5 prime UTR variant (4), intron variant (2).
Genome position (GRCh38, 1-based): chr3:30,606,952, G>T. VCF-style: chr3-30606952-G-T. GRCh37 (hg19) VCF-style: chr3-30648444-G-T.
Other names: c.69G>T, p.Thr23= (NM_001024847.3, NM_001407126.1, NM_001407127.1 and 4 more transcripts); c.-215G>T (NM_001407133.1); c.-93G>T (NM_001407134.1); c.-140G>T (NM_001407135.1); c.-225G>T (NM_001407136.1); c.-12+359G>T (NM_001407129.1, NM_001407132.1).
Identifiers: ClinVar variation 239533 (VCV000239533.26), dbSNP rs878854612, ClinGen allele CA10582145.
Genomic context (GRCh38, chr3:30,606,952, plus strand): 5'-GGGGCTGCTCAGGGGCCTGTGGCCGCTGCACATCGTCCTGTGGACGCGTATCGCCAGCAC[G>T]ATCCCACCGCACGTTCAGAAGTCGGGTGAGTGGTCCCCAGCCCGGGCTCGGCGGGGCGCC-3'
Protein context (NP_003233.4, residues 13-33): HIVLWTRIAS[Thr23=]IPPHVQKSVN

ClinVar aggregate classification (germline): Conflicting classifications of pathogenicity. Review status: criteria provided, conflicting classifications (1 of 4 stars). 8 submissions from 8 submitters: Uncertain significance (1); Likely benign (6). 1 of the submissions does not count toward it. Last evaluated 2025-07-23.

Conditions:
Diabetic retinopathy. Identifiers: MedGen C0011884, MONDO:0005266.
TGFBR2-related disorder. Also called: TGFBR2-related condition.
Familial thoracic aortic aneurysm and aortic dissection (TAAD). Also called: Thoracic aortic aneurysms and dissections. Identifiers: Orphanet 91387, MedGen C4707243, MONDO:0019625.
Loeys-Dietz syndrome 2 (LDS2). Also called: TGFBR2-Related Loeys-Dietz Syndrome; Marfan syndrome, type 2 (formerly); Marfan Syndrome type 2; Marfan like connective tissue disorder; MFS 2; AORTIC ANEURYSM, FAMILIAL THORACIC 3. Identifiers: Orphanet 284973, Orphanet 558, MedGen C2674574, MONDO:0012427, OMIM 610168.

Allele frequency attached by ClinVar (database versions not stated): gnomAD 0.00003 and 0.00004; TOPMed 0.00004; gnomAD exomes 0.00005.
gnomAD v4.1: 78 of 1,602,126 alleles (0.0049%); highest among the groups gnomAD compares: Non-Finnish European, 0.0065%; no homozygotes.

Submissions (8):

Labcorp Genetics (formerly Invitae), Labcorp
Classification: Likely benign for Familial thoracic aortic aneurysm and aortic dissection. Last evaluated: 2025-07-23. Review status: criteria provided, single submitter. Criteria: Invitae Variant Classification Sherloc (09022015). Collection method: clinical testing. Allele origin: germline.

All of Us Research Program, National Institutes of Health
Classification: Likely benign for Loeys-Dietz syndrome 2. Last evaluated: 2023-12-13. Review status: criteria provided, single submitter. Criteria: ACMG Guidelines, 2015. Collection method: clinical testing. Allele origin: germline. Inheritance: Autosomal dominant inheritance. Observed: 4 variant alleles, 4 heterozygotes.
Comment: This study involves interpretation of variants in research participants for the purpose of population health screening. Participant phenotype was not available at the time of variant classification. Additional details can be found in publication PMID: 35346344, PMCID: PMC8962531

GeneDx
Classification: Likely benign. Last evaluated: 2019-08-22. Review status: criteria provided, single submitter. Criteria: GeneDx Variant Classification Process June 2021. Collection method: clinical testing. Allele origin: germline. Affected: yes.

Ambry Genetics
Classification: Likely benign for Familial thoracic aortic aneurysm and aortic dissection. Last evaluated: 2019-04-19. Review status: criteria provided, single submitter. Criteria: Ambry Variant Classification Scheme 2023. Collection method: clinical testing. Allele origin: germline.

Color Diagnostics, LLC DBA Color Health
Classification: Likely benign for Familial thoracic aortic aneurysm and aortic dissection. Last evaluated: 2019-02-10. Review status: criteria provided, single submitter. Criteria: ACMG Guidelines, 2015. Collection method: clinical testing. Allele origin: germline.

Illumina Laboratory Services, Illumina
Classification: Uncertain significance for Loeys-Dietz syndrome 2. Last evaluated: 2018-03-23. Review status: criteria provided, single submitter. Criteria: ICSL Variant Classification Criteria 13 December 2019. Collection method: clinical testing. Allele origin: germline.

Clinical Genomics, Uppaluri K&H Personalized Medicine Clinic
Classification: Likely benign for Diabetic retinopathy. Review status: criteria provided, single submitter. Criteria: K And H Uppaluri Personalized Medicine Clinic Variant Classification And Assertion Criteria Updated V 2. Collection method: research. Allele origin: unknown.
Comment: Potent mutations in TGFBR2 gene encodes the transforming growth factor that have been associated with angiogenesis and diabetic retinopathy. More clinical studies are needed for stronger association. However, more evidence is required to confer the association of this particular variant rs878854612 with diabetic retinopathy.

PreventionGenetics, part of Exact Sciences
Classification: Likely benign for TGFBR2-related condition. Last evaluated: 2021-09-24. Review status: no assertion criteria provided. Collection method: clinical testing. Allele origin: germline. Not counted in ClinVar's aggregate classification.
Comment: This variant is classified as likely benign based on ACMG/AMP sequence variant interpretation guidelines (Richards et al. 2015 PMID: 25741868, with internal and published modifications).

Literature cited by the submitters: PubMed 30222965 (cited by Clinical Genomics, Uppaluri K&H Personalized Medicine Clinic); PubMed 28162229 (cited by Clinical Genomics, Uppaluri K&H Personalized Medicine Clinic); PubMed 34572573 (cited by Clinical Genomics, Uppaluri K&H Personalized Medicine Clinic).